The following is an entry in ClinVar:

ClinVar aggregate classification (germline): Uncertain significance (1 of 4 stars; one submission).

Conditions:
Familial thoracic aortic aneurysm and aortic dissection (TAAD). Also called: Thoracic aortic aneurysms and dissections. Identifiers: Orphanet 91387, MedGen C4707243, MONDO:0019625.

Submission:

All of Us Research Program, National Institutes of Health
Classification: Uncertain significance for Familial thoracic aortic aneurysm and aortic dissection. Last evaluated: 2024-05-30. Review status: criteria provided, single submitter. Criteria: ACMG Guidelines, 2015. Collection method: clinical testing. Allele origin: germline. Inheritance: Autosomal dominant inheritance. Observed: 1 variant allele, 1 heterozygote.
Comment: This missense variant replaces leucine with proline at codon 1022 of the MYH11 protein. Computational prediction suggests that this variant may have deleterious impact on protein structure and function (internally defined REVEL score threshold >= 0.7, PMID: 27666373). To our knowledge, functional studies have not been reported for this variant. This variant has not been reported in individuals affected with MYH11-related disorders in the literature. This variant has not been identified in the general population by the Genome Aggregation Database (gnomAD). The available evidence is insufficient to determine the role of this variant in disease conclusively. Therefore, this variant is classified as a Variant of Uncertain Significance.

This study involves interpretation of variants in research participants for the purpose of population health screening. Participant phenotype was not available at the time of variant classification. Additional details can be found in publication PMID: 35346344, PMCID: PMC8962531

NM_002474.3(MYH11):c.3044T>C (p.Leu1015Pro)

Gene: MYH11 (myosin heavy chain 11; minus strand). Cytogenetic location: 16p13.11.
Variant type: single nucleotide variant.
Coding change: c.3044T>C on transcript NM_002474.3 (MANE Select); coding-DNA position 3044, T replaced by C.
Protein change: p.Leu1015Pro; replaces leucine 1015 with proline.
Molecular consequence: missense variant.
Genome position (GRCh38, 1-based): chr16:15,738,642, A>G on the plus strand (T>C on the coding strand, the complement: MYH11 is on the minus strand). VCF-style: chr16-15738642-A-G. GRCh37 (hg19) VCF-style: chr16-15832499-A-G.
Other names: c.3065T>C, p.Leu1022Pro (NM_001040113.2, NM_001040114.2); c.3044T>C, p.Leu1015Pro (NM_022844.3); short protein forms L1015P, L1022P.
Identifiers: ClinVar variation 3387203 (VCV003387203.1).
Genomic context (GRCh38, chr16:15,738,642, plus strand): 5'-ATAGATTCATGCTTGTTTTTCAGCTTGGTAAGATTCTTGGCCTTTTCTTCCTCTTCTGCA[A>G]GATTTGTCGTTAAGTCACTAATCCTCTCCTCAAGGAGTTTTCGTTCCTTTTTGGGGAAAG-3'
Protein context (NP_002465.1, residues 1005-1025): EERISDLTTN[Leu1015Pro]AEEEEKAKNL